The following is an entry in ClinVar:

ClinVar aggregate classification (germline): Uncertain significance (1 of 4 stars; one submission).

Conditions:
Mosaic variegated aneuploidy syndrome 1 (MVA1). Also called: Warburton-Anyane-Yeboa syndrome. Identifiers: Orphanet 1052, MedGen C1850343, MONDO:0009759, OMIM 257300.

Submission:

Victorian Clinical Genetics Services, Murdoch Childrens Research Institute
Classification: Uncertain significance for Mosaic variegated aneuploidy syndrome 1. Last evaluated: 2022-09-02. Review status: criteria provided, single submitter. Criteria: ACMG Guidelines, 2015. Collection method: clinical testing. Allele origin: germline. Inheritance: Autosomal recessive inheritance. Affected: yes.
Comment: Based on the classification scheme VCGS_Germline_v1.3.4, this variant is classified as VUS-3C. Following criteria are met: 0102 - Loss of function is a known mechanism of disease in this gene and is associated with mosaic variegated aneuploidy syndrome 1 (MIM#257300). (I) 0106 - This gene is associated with autosomal recessive disease. (I) 0200 - Variant is predicted to result in a missense amino acid change from threonine to proline. (I) 0251 - This variant is heterozygous. (I) 0301 - Variant is absent from gnomAD (both v2 and v3). (SP) 0309 - An alternative amino acid change at the same position has been observed in gnomAD (v2, v3) (2 heterozygotes, 0 homozygotes). (I) 0503 - Missense variant consistently predicted to be tolerated by multiple in silico tools or not conserved in placental mammals with a minor amino acid change. (SB) 0604 - Variant is not located in an established domain, motif, hotspot or informative constraint region. (I) 0705 - No comparable missense variants have previous evidence for pathogenicity. (I) 0807 - This variant has no previous evidence of pathogenicity. (I) 0905 - No published segregation evidence has been identified for this variant. (I) 1007 - No published functional evidence has been identified for this variant. (I) 1208 - Inheritance information for this variant is not currently available in this individual. (I) Legend: (SP) - Supporting pathogenic, (I) - Information, (SB) - Supporting benign

NM_001211.6(BUB1B):c.1375A>C (p.Thr459Pro)

Gene: BUB1B (BUB1 mitotic checkpoint serine/threonine kinase B; plus strand). Cytogenetic location: 15q15.1.
Variant type: single nucleotide variant.
Coding change: c.1375A>C on transcript NM_001211.6 (MANE Select); coding-DNA position 1375, A replaced by C.
Protein change: p.Thr459Pro; replaces threonine 459 with proline.
Molecular consequence: missense variant.
Genome position (GRCh38, 1-based): chr15:40,199,701, A>C. VCF-style: chr15-40199701-A-C. GRCh37 (hg19) VCF-style: chr15-40491902-A-C.
Other names: short protein forms T459P.
Identifiers: ClinVar variation 1805986 (VCV001805986.1), dbSNP rs1595527859, ClinGen allele CA391689122.